The following is an entry in ClinVar:

NM_015141.4(GPD1L):c.1027T>G (p.Cys343Gly)

Gene: GPD1L (glycerol-3-phosphate dehydrogenase 1 like; plus strand). Cytogenetic location: 3p22.3.
Variant type: single nucleotide variant.
Coding change: c.1027T>G on transcript NM_015141.4 (MANE Select); coding-DNA position 1027, T replaced by G.
Protein change: p.Cys343Gly; replaces cysteine 343 with glycine.
Molecular consequence: missense variant.
Genome position (GRCh38, 1-based): chr3:32,165,881, T>G. VCF-style: chr3-32165881-T-G. GRCh37 (hg19) VCF-style: chr3-32207373-T-G.
Other names: short protein forms C343G.
Identifiers: ClinVar variation 2758056 (VCV002758056.1), dbSNP rs1339927786, ClinGen allele CA351970634.

ClinVar aggregate classification (germline): Uncertain significance (1 of 4 stars; one submission).

Conditions:
Brugada syndrome. Also called: Sudden Unexplained Death Syndrome; Sudden Unexplained Nocturnal Death Syndrome (SUNDS); Sudden unexplained nocturnal death syndrome; Sudden unexpected nocturnal death syndrome. Identifiers: Orphanet 130, MedGen C1142166, MONDO:0015263.

gnomAD v4.1: 10 of 1,603,824 alleles (0.00062%); highest among the groups gnomAD compares: Non-Finnish European, 0.00085%; no homozygotes.

Submission:

Labcorp Genetics (formerly Invitae), Labcorp
Classification: Uncertain significance for Brugada syndrome. Last evaluated: 2023-12-11. Review status: criteria provided, single submitter. Criteria: Invitae Variant Classification Sherloc (09022015). Collection method: clinical testing. Allele origin: germline.
Comment: This sequence change replaces cysteine, which is neutral and slightly polar, with glycine, which is neutral and non-polar, at codon 343 of the GPD1L protein (p.Cys343Gly). This variant is present in population databases (no rsID available, gnomAD 0.0009%). This variant has not been reported in the literature in individuals affected with GPD1L-related conditions. Advanced modeling of protein sequence and biophysical properties (such as structural, functional, and spatial information, amino acid conservation, physicochemical variation, residue mobility, and thermodynamic stability) performed at Invitae indicates that this missense variant is not expected to disrupt GPD1L protein function with a negative predictive value of 80%. In summary, the available evidence is currently insufficient to determine the role of this variant in disease. Therefore, it has been classified as a Variant of Uncertain Significance.